The following is an entry in ClinVar:

NM_001034853.2(RPGR):c.2284del (p.Glu762fs)

Gene: RPGR (retinitis pigmentosa GTPase regulator; minus strand). Cytogenetic location: Xp11.4.
Variant type: Deletion.
Coding change: c.2284del on transcript NM_001034853.2 (MANE Select); coding-DNA position 2284, one base deleted (G; older notation c.2284delG).
Protein change: p.Glu762fs; shifts the reading frame from glutamic acid 762.
Molecular consequence: frameshift variant. On other transcripts: intron variant (8).
Genome position (GRCh38, 1-based): chrX:38,286,715, C deleted on the plus strand (G on the coding strand, the reverse complement: RPGR is on the minus strand); the first of 4 consecutive C bases (chrX:38,286,715-38,286,718); deleting any one gives the same sequence. VCF-style (leftmost placement, unchanged base first): chrX-38286714-TC-T. GRCh37 (hg19) VCF-style: chrX-38145967-TC-T.
Other names: c.1569+4244del (NM_001367250.1, NM_001367249.1); c.1902+379del (NM_001367245.1); c.1386+4244del (NM_001367251.1); c.1719+379del (NM_001367246.1); c.1572+4244del (NM_001367247.1); c.1905+379del (NM_000328.3); c.1602+4244del (NM_001367248.1); short protein forms E762fs.
Identifiers: ClinVar variation 2007063 (VCV002007063.5), dbSNP rs2067187127, ClinGen allele CA2580100926.

ClinVar aggregate classification (germline): Pathogenic. Review status: criteria provided, multiple submitters, no conflicts (2 of 4 stars). 2 submissions from 2 submitters: Pathogenic (2). Last evaluated 2024-07-26.

Conditions:
RPGR-related disorder. Also called: RPGR-related condition.
Primary ciliary dyskinesia. Also called: Ciliary dyskinesia. Identifiers: Orphanet 244, MedGen C0008780, MONDO:0016575, HP:0012265.

Submissions (2):

Blueprint Genetics
Classification: Pathogenic for RPGR-related disorders. Last evaluated: 2024-07-26. Review status: criteria provided, single submitter. Criteria: ACMG Guidelines, 2015. Collection method: clinical testing. Allele origin: germline. Affected: yes. Observed: 1 variant allele.

Labcorp Genetics (formerly Invitae), Labcorp
Classification: Pathogenic for Primary ciliary dyskinesia. Last evaluated: 2022-10-13. Review status: criteria provided, single submitter. Criteria: Invitae Variant Classification Sherloc (09022015). Collection method: clinical testing. Allele origin: germline.
Comment: For these reasons, this variant has been classified as Pathogenic. This variant disrupts a region of the RPGR (ORF15) protein in which other variant(s) (p.Arg775Glufs*59) have been determined to be pathogenic (PMID: 11992260, 23950152, 28041643, 31054281; 32702353)). This suggests that this is a clinically significant region of the protein, and that variants that disrupt it are likely to be disease-causing. This variant has not been reported in the literature in individuals affected with RPGR (ORF15)-related conditions. This variant is not present in population databases (gnomAD no frequency). This sequence change creates a premature translational stop signal (p.Glu762Lysfs*53) in the RPGR (ORF15) gene. While this is not anticipated to result in nonsense mediated decay, it is expected to disrupt the last 391 amino acid(s) of the RPGR (ORF15) protein.

Literature cited by the submitters: PubMed 11992260 (cited by Labcorp Genetics (formerly Invitae), Labcorp); PubMed 23950152 (cited by Labcorp Genetics (formerly Invitae), Labcorp); PubMed 28041643 (cited by Labcorp Genetics (formerly Invitae), Labcorp); PubMed 31054281 (cited by Labcorp Genetics (formerly Invitae), Labcorp); PubMed 32702353 (cited by Labcorp Genetics (formerly Invitae), Labcorp).